The following is an entry in ClinVar:

NM_001429.4(EP300):c.5232T>C (p.His1744=)

Gene: EP300 (E1A binding protein p300; plus strand). Cytogenetic location: 22q13.2.
Variant type: single nucleotide variant.
Coding change: c.5232T>C on transcript NM_001429.4 (MANE Select); coding-DNA position 5232, T replaced by C.
Protein change: p.His1744=; no amino-acid change (histidine 1744 retained).
Molecular consequence: synonymous variant.
Genome position (GRCh38, 1-based): chr22:41,176,943, T>C. VCF-style: chr22-41176943-T-C. GRCh37 (hg19) VCF-style: chr22-41572947-T-C.
Other names: c.5154T>C, p.His1718= (NM_001362843.2).
Identifiers: ClinVar variation 3352221 (VCV003352221.1).

ClinVar aggregate classification (germline): Likely benign (0 of 4 stars; one submission).

Conditions:
EP300-related disorder. Also called: EP300-related disorders; EP300-related condition.

Submission:

PreventionGenetics, part of Exact Sciences
Classification: Likely benign for EP300-related condition. Last evaluated: 2019-06-13. Review status: no assertion criteria provided. Collection method: clinical testing. Allele origin: germline.
Comment: This variant is classified as likely benign based on ACMG/AMP sequence variant interpretation guidelines (Richards et al. 2015 PMID: 25741868, with internal and published modifications).